The following is an entry in ClinVar:

ClinVar aggregate classification (germline): Uncertain significance (1 of 4 stars; one submission).

Conditions:
Inborn genetic diseases. Identifiers: MedGen C0950123, MeSH D030342.

Allele frequency attached by ClinVar (database versions not stated): TOPMed below 0.00001.

Submission:

Ambry Genetics
Classification: Uncertain significance for Inborn genetic diseases. Last evaluated: 2021-07-18. Review status: criteria provided, single submitter. Criteria: Ambry Variant Classification Scheme 2023. Collection method: clinical testing. Allele origin: germline.
Comment: The p.P1000S variant (also known as c.2998C>T), located in coding exon 20 of the NPC1 gene, results from a C to T substitution at nucleotide position 2998. The proline at codon 1000 is replaced by serine, an amino acid with similar properties. This amino acid position is conserved. In addition, this alteration is predicted to be deleterious by in silico analysis. Since supporting evidence is limited at this time, the clinical significance of this alteration remains unclear.

NM_000271.5(NPC1):c.2998C>T (p.Pro1000Ser)

Gene: NPC1 (NPC intracellular cholesterol transporter 1; minus strand). Cytogenetic location: 18q11.2.
Variant type: single nucleotide variant.
Coding change: c.2998C>T on transcript NM_000271.5 (MANE Select); coding-DNA position 2998, C replaced by T.
Protein change: p.Pro1000Ser; replaces proline 1000 with serine.
Molecular consequence: missense variant.
Genome position (GRCh38, 1-based): chr18:23,538,585, G>A on the plus strand (C>T on the coding strand, the complement: NPC1 is on the minus strand). VCF-style: chr18-23538585-G-A. GRCh37 (hg19) VCF-style: chr18-21118549-G-A.
Other names: short protein forms P1000S.
Identifiers: ClinVar variation 1798591 (VCV001798591.2), dbSNP rs2058666890, ClinGen allele CA401792170.